The following is an entry in ClinVar:

ClinVar aggregate classification (germline): Likely benign. Review status: criteria provided, multiple submitters, no conflicts (2 of 4 stars). 3 submissions from 3 submitters: Likely benign (2). 1 of the submissions does not count toward it. Last evaluated 2025-10-27.

Conditions:
OTOG-related disorder. Also called: OTOG-related condition.

Allele frequency attached by ClinVar (database versions not stated): gnomAD 0.00015 and 0.00016; 1000 Genomes Project 30x 0.00016; TOPMed 0.00019; 1000 Genomes Project 0.00020; ExAC 0.00025; gnomAD exomes 0.00007.
gnomAD v4.1: 77 of 1,550,518 alleles (0.005%); highest among the groups gnomAD compares: African/African-American, 0.038%; no homozygotes.

Submissions (3):

Labcorp Genetics (formerly Invitae), Labcorp
Classification: Likely benign. Last evaluated: 2025-10-27. Review status: criteria provided, single submitter. Criteria: Invitae Variant Classification Sherloc (09022015). Collection method: clinical testing. Allele origin: germline.

Laboratory for Molecular Medicine, Mass General Brigham Personalized Medicine
Classification: Likely benign. Last evaluated: 2016-09-11. Review status: criteria provided, single submitter. Criteria: LMM Criteria. Collection method: clinical testing. Allele origin: germline. Observed: 2 variant alleles.
Comment: p.Pro2014Pro in exon 35 of OTOG: This variant is not expected to have clinical s ignificance because it does not alter an amino acid residue and is not located w ithin the splice consensus sequence. It has been identified in several populatio ns including 2/7592 South Asian chromosomes by the Exome Aggregation Consortium (ExAC; dbSNP rs554657199).

PreventionGenetics, part of Exact Sciences
Classification: Likely benign for OTOG-related condition. Last evaluated: 2019-06-10. Review status: no assertion criteria provided. Collection method: clinical testing. Allele origin: germline. Not counted in ClinVar's aggregate classification.
Comment: This variant is classified as likely benign based on ACMG/AMP sequence variant interpretation guidelines (Richards et al. 2015 PMID: 25741868, with internal and published modifications).

NM_001292063.2(OTOG):c.6006G>A (p.Pro2002=)

Gene: OTOG (otogelin; plus strand). Cytogenetic location: 11p15.1.
Variant type: single nucleotide variant.
Coding change: c.6006G>A on transcript NM_001292063.2 (MANE Select); coding-DNA position 6006, G replaced by A.
Protein change: p.Pro2002=; no amino-acid change (proline 2002 retained).
Molecular consequence: synonymous variant.
Genome position (GRCh38, 1-based): chr11:17,611,306, G>A. VCF-style: chr11-17611306-G-A. GRCh37 (hg19) VCF-style: chr11-17632853-G-A.
Other names: c.6042G>A, p.Pro2014= (NM_001277269.2).
Identifiers: ClinVar variation 505280 (VCV000505280.10), dbSNP rs554657199, ClinGen allele CA5905973.